The following is an entry in ClinVar:

NM_002354.3(EPCAM):c.11C>T (p.Pro4Leu)

Gene: EPCAM (epithelial cell adhesion molecule; plus strand). Cytogenetic location: 2p21.
Variant type: single nucleotide variant.
Coding change: c.11C>T on transcript NM_002354.3 (MANE Select); coding-DNA position 11, C replaced by T.
Protein change: p.Pro4Leu; replaces proline 4 with leucine.
Molecular consequence: missense variant.
Genome position (GRCh38, 1-based): chr2:47,369,516, C>T. VCF-style: chr2-47369516-C-T. GRCh37 (hg19) VCF-style: chr2-47596655-C-T.
Other names: short protein forms P4L.
Identifiers: ClinVar variation 632795 (VCV000632795.2), dbSNP rs778641299, ClinGen allele CA46685548.

ClinVar aggregate classification (germline): Uncertain significance. Review status: criteria provided, multiple submitters, no conflicts (2 of 4 stars). 2 submissions from 2 submitters: Uncertain significance (2). Last evaluated 2021-11-24.

Conditions:
Congenital diarrhea 5 with tufting enteropathy. Also called: Congenital tufting enteropathy; INTESTINAL EPITHELIAL CELL DYSPLASIA. Identifiers: Orphanet 92050, MedGen C2750737, MONDO:0013184, OMIM 613217.
Lynch syndrome 8 (LYNCH8). Also called: Colorectal cancer, hereditary nonpolyposis, type 8. Identifiers: Orphanet 144, MedGen C2750471, MONDO:0013196, OMIM 613244.

Allele frequency attached by ClinVar (database versions not stated): gnomAD 0.00001; gnomAD exomes 0.00001; TOPMed 0.00001.
gnomAD v4.1: 6 of 1,563,514 alleles (0.00038%); highest among the groups gnomAD compares: African/African-American, 0.0082%; no homozygotes.

Submissions (2):

Fulgent Genetics
Classification: Uncertain significance for Congenital diarrhea 5 with tufting enteropathy; Lynch syndrome 8. Last evaluated: 2021-11-24. Review status: criteria provided, single submitter. Criteria: ACMG Guidelines, 2015. Collection method: clinical testing. Allele origin: unknown.

Women's Health and Genetics/Laboratory Corporation of America, LabCorp
Classification: Uncertain significance. Last evaluated: 2017-10-12. Review status: criteria provided, single submitter. Criteria: LabCorp Variant Classification Summary - May 2015. Collection method: clinical testing. Allele origin: germline.
Comment: Variant summary: The EPCAM c.11C>T (p.Pro4Leu) variant involves the alteration of a non-conserved nucleotide. 4/5 in silico tools predict a benign outcome for this variant. This variant was found in 1/164140 control chromosomes at a frequency of 0.0000061, which does not exceed the estimated maximal expected allele frequency of a pathogenic EPCAM variant (0.0000284). The variant of interest has not, to our knowledge, been reported in affected individuals via publications and/or reputable databases/clinical diagnostic laboratories; nor evaluated for functional impact by in vivo/vitro studies. Because of the absence of clinical information and the lack of functional studies, the variant is classified as a variant of uncertain significance (VUS) until additional information becomes available.